The following is an entry in ClinVar:

NM_000277.3(PAH):c.1238_1241delinsCCTG (p.Arg413_Tyr414delinsProCys)

Gene: PAH (phenylalanine hydroxylase; minus strand). Cytogenetic location: 12q23.2.
Variant type: Indel.
Coding change: c.1238_1241delinsCCTG on transcript NM_000277.3 (MANE Select); coding-DNA positions 1238 to 1241, GCTA replaced by CCTG.
Protein change: p.Arg413_Tyr414delinsProCys.
Molecular consequence: missense variant.
Genome position (GRCh38, 1-based): chr12:102,840,474-102,840,477, TAGC replaced by CAGG on the plus strand (GCTA replaced by CCTG on the coding strand, the reverse complement: PAH is on the minus strand). VCF-style: chr12-102840474-TAGC-CAGG. GRCh37 (hg19) VCF-style: chr12-103234252-TAGC-CAGG.
Other names: c.1238_1241delinsCCTG, p.Arg413_Tyr414delinsProCys (NM_001354304.2).
Identifiers: ClinVar variation 2577259 (VCV002577259.3), dbSNP rs2499611116, ClinGen allele CA2580616845.

ClinVar aggregate classification (germline): Pathogenic (1 of 4 stars; one submission).

Conditions:
Phenylketonuria (PKU). Also called: FOLLING DISEASE; Phenylketonurias; Phenylketonuria (PKU); OLIGOPHRENIA PHENYLPYRUVICA. Identifiers: Orphanet 716, MedGen C0031485, MONDO:0009861, OMIM 261600. Disease mechanism: loss of function.

Submission:

Women's Health and Genetics/Laboratory Corporation of America, LabCorp
Classification: Pathogenic for Phenylketonuria. Last evaluated: 2025-04-22. Review status: criteria provided, single submitter. Criteria: LabCorp Variant Classification Summary - May 2015. Collection method: clinical testing. Allele origin: germline.
Comment: Variant summary: PAH c.1238_1241delinsCCTG (p.Arg413_Tyr414delinsProCys) results in an in-frame deletion-insertion that is predicted to replace 2 amino acids in the protein sequence. The variant was absent in 251440 control chromosomes, however the two constituent variants, c.1238G>C and c.1241A>G, have frequencies of 0.000003977 and 0.0003659, respectively. Both are lower than the estimated maximum pathogenic allele frequency for a variant in PAH causing Phenylalanine Hydroxylase Deficiency (0.0079), and therefore does not allow any conclusion about variant significance. c.1238_1241delinsCCTG (reported as c.1238G>C and c.1241A>G in cis) has been reported in the literature in at least one individual affected with Phenylalanine Hydroxylase Deficiency (Guldberg_1996). To our knowledge, no experimental evidence demonstrating its impact on protein function have been reported. However, p.Arg413Pro and p.Tyr414Cys have been shown to affect protein activity individually (PMID 25596310, 30037505). The following publication has been ascertained in the context of this evaluation (PMID: 8929956). No submitters have cited clinical-significance assessments for this variant to ClinVar after 2014. However, both constituent variants have been classified as pathogenic within ClinVar (p.Arg413Pro [ClinVar:592] and p.Tyr414Cys [ClinVar:593]). Based on the evidence outlined above, the variant was classified as pathogenic.

Literature cited by the submitters: PubMed 8929956.